The following is an entry in ClinVar:

NM_014956.5(CEP164):c.2854G>T (p.Ala952Ser)

Gene: CEP164 (centrosomal protein 164; plus strand). Cytogenetic location: 11q23.3.
Variant type: single nucleotide variant.
Coding change: c.2854G>T on transcript NM_014956.5 (MANE Select); coding-DNA position 2854, G replaced by T.
Protein change: p.Ala952Ser; replaces alanine 952 with serine.
Molecular consequence: missense variant.
Genome position (GRCh38, 1-based): chr11:117,395,132, G>T. VCF-style: chr11-117395132-G-T. GRCh37 (hg19) VCF-style: chr11-117265848-G-T.
Other names: c.2863G>T, p.Ala955Ser (NM_001271933.2, NM_001440949.1); c.2854G>T, p.Ala952Ser (NM_001440950.1, NM_001440951.1, NM_001440953.1); c.2689G>T, p.Ala897Ser (NM_001440952.1, NM_001440968.1, NM_001440969.1); c.2776G>T, p.Ala926Ser (NM_001440954.1, NM_001440955.1, NM_001440958.1 and 1 more transcripts); c.2767G>T, p.Ala923Ser (NM_001440956.1, NM_001440957.1); c.2725G>T, p.Ala909Ser (NM_001440960.1); c.2716G>T, p.Ala906Ser (NM_001440961.1, NM_001440967.1); c.2707G>T, p.Ala903Ser (NM_001440962.1, NM_001440963.1, NM_001440964.1 and 4 more transcripts); and 7 more; short protein forms A833S, A903S, A897S, A923S, A952S, A807S, A827S, A882S.
Identifiers: ClinVar variation 4997895 (VCV004997895.1).

ClinVar aggregate classification (germline): Uncertain significance (1 of 4 stars; one submission).

Conditions:
CEP164-related disorder. Also called: CEP164-related condition.

gnomAD v4.1: 2 of 1,614,190 alleles (0.00012%); highest among the groups gnomAD compares: African/African-American, 0.0013%; no homozygotes.

Submission:

PreventionGenetics, part of Exact Sciences
Classification: Uncertain significance for CEP164-related condition. Last evaluated: 2026-06-25. Review status: criteria provided, single submitter. Criteria: ACMG Guidelines, 2015. Collection method: clinical testing. Allele origin: germline.
Comment: The CEP164 c.2854G>T variant is predicted to result in the amino acid substitution p.Ala952Ser. To our knowledge, this variant has not been reported in the literature. This variant is reported in 0.0062% of alleles in individuals of African descent in gnomAD. At this time, the clinical significance of this variant is uncertain due to the absence of conclusive functional and genetic evidence.